The following is an entry in ClinVar:

ClinVar aggregate classification (germline): Uncertain significance (1 of 4 stars; one submission).

Submission:

GeneDx
Classification: Uncertain significance. Last evaluated: 2023-11-11. Review status: criteria provided, single submitter. Criteria: GeneDx Variant Classification Process June 2021. Collection method: clinical testing. Allele origin: germline. Affected: yes.
Comment: Not observed at significant frequency in large population cohorts (gnomAD); In silico analysis supports that this missense variant has a deleterious effect on protein structure/function; Missense variants in this gene are a common cause of disease and they are underrepresented in the general population; Has not been previously published as pathogenic or benign to our knowledge

NM_001100.4(ACTA1):c.882C>G (p.Asp294Glu)

Gene: ACTA1 (actin alpha 1, skeletal muscle; minus strand). Cytogenetic location: 1q42.13.
Variant type: single nucleotide variant.
Coding change: c.882C>G on transcript NM_001100.4 (MANE Select); coding-DNA position 882, C replaced by G.
Protein change: p.Asp294Glu; replaces aspartic acid 294 with glutamic acid.
Molecular consequence: missense variant.
Genome position (GRCh38, 1-based): chr1:229,431,829, G>C on the plus strand (C>G on the coding strand, the complement: ACTA1 is on the minus strand). VCF-style: chr1-229431829-G-C. GRCh37 (hg19) VCF-style: chr1-229567576-G-C.
Other names: short protein forms D294E.
Identifiers: ClinVar variation 3364063 (VCV003364063.1).